The following is an entry in ClinVar:

ClinVar aggregate classification (germline): Uncertain significance (1 of 4 stars; one submission).

Allele frequency attached by ClinVar (database versions not stated): gnomAD 0.00001; gnomAD exomes below 0.00001; TOPMed 0.00001.

Submission:

Labcorp Genetics (formerly Invitae), Labcorp
Classification: Uncertain significance. Last evaluated: 2026-01-07. Review status: criteria provided, single submitter. Criteria: Invitae Variant Classification Sherloc (09022015). Collection method: clinical testing. Allele origin: germline.
Comment: This sequence change creates a premature translational stop signal (p.Gln914Argfs*43) in the EMC1 gene. While this is not anticipated to result in nonsense mediated decay, it is expected to disrupt the last 80 amino acid(s) of the EMC1 protein. This variant is not present in population databases (gnomAD no frequency). This variant has not been reported in the literature in individuals affected with EMC1-related conditions. ClinVar contains an entry for this variant (Variation ID: 2134427). Experimental studies and prediction algorithms are not available or were not evaluated, and the functional significance of this variant is currently unknown. In summary, the available evidence is currently insufficient to determine the role of this variant in disease. Therefore, it has been classified as a Variant of Uncertain Significance.

NM_015047.3(EMC1):c.2741del (p.Gln914fs)

Genes: EMC1 (ER membrane protein complex subunit 1; minus strand), EMC1-AS1 (EMC1 antisense RNA 1; plus strand). Cytogenetic location: 1p36.13.
Variant type: Deletion.
Coding change: c.2741del on transcript NM_015047.3 (MANE Select); coding-DNA position 2741, one base deleted (A; older notation c.2741delA).
Protein change: p.Gln914fs; shifts the reading frame from glutamine 914.
Molecular consequence: frameshift variant.
Genome position (GRCh38, 1-based): chr1:19,219,630, T deleted on the plus strand (A on the coding strand, the reverse complement: EMC1 is on the minus strand). VCF-style (leftmost placement, unchanged base first): chr1-19219629-CT-C. GRCh37 (hg19) VCF-style: chr1-19546123-CT-C.
Other names: c.2738del, p.Gln913fs (NM_001271427.2, NM_001271428.2); c.2675del, p.Gln892fs (NM_001271429.2); c.2750del, p.Gln917fs (NM_001375820.1); c.2747del, p.Gln916fs (NM_001375821.1); short protein forms Q913fs, Q914fs, Q892fs, Q917fs, Q916fs.
Identifiers: ClinVar variation 2134427 (VCV002134427.4), dbSNP rs1206176838, ClinGen allele CA729221285.